The following is an entry in ClinVar:

ClinVar aggregate classification (germline): Uncertain significance (1 of 4 stars; one submission).

gnomAD v4.1: 1 of 1,614,124 alleles (0.000062%); highest among the groups gnomAD compares: Non-Finnish European, 0.000085%; no homozygotes.

Submission:

Ambry Genetics
Classification: Uncertain significance. Last evaluated: 2025-04-29. Review status: criteria provided, single submitter. Criteria: Ambry Variant Classification Scheme 2023. Collection method: clinical testing. Allele origin: germline.
Comment: The p.M508R variant (also known as c.1523T>G), located in coding exon 1 of the TET2 gene, results from a T to G substitution at nucleotide position 1523. The methionine at codon 508 is replaced by arginine, an amino acid with similar properties. This amino acid position is conserved. In addition, this alteration is predicted to be tolerated by in silico analysis. Based on the available evidence, the clinical significance of this variant remains unclear.

NM_001127208.3(TET2):c.1523T>G (p.Met508Arg)

Genes: TET2 (tet methylcytosine dioxygenase 2; plus strand), TET2-AS1 (TET2 antisense RNA 1; minus strand). Cytogenetic location: 4q24.
Variant type: single nucleotide variant.
Coding change: c.1523T>G on transcript NM_001127208.3 (MANE Select); coding-DNA position 1523, T replaced by G.
Protein change: p.Met508Arg; replaces methionine 508 with arginine.
Molecular consequence: missense variant.
Genome position (GRCh38, 1-based): chr4:105,235,465, T>G. VCF-style: chr4-105235465-T-G. GRCh37 (hg19) VCF-style: chr4-106156622-T-G.
Other names: c.1523T>G, p.Met508Arg (NM_017628.4); short protein forms M508R.
Identifiers: ClinVar variation 3967598 (VCV003967598.1).